The following is an entry in ClinVar:

ClinVar aggregate classification (germline): Uncertain significance (1 of 4 stars; one submission).

Conditions:
Pfeiffer syndrome (ACS5). Also called: ACS V. Identifiers: Orphanet 710, MedGen C0220658, MONDO:0007043, OMIM 101600.
Hypogonadotropic hypogonadism 2 with or without anosmia (HH2). Also called: HYPOGONADOTROPIC HYPOGONADISM 2 WITHOUT ANOSMIA, SUSCEPTIBILITY TO; HYPOGONADOTROPIC HYPOGONADISM 2 WITHOUT ANOSMIA; HYPOGONADOTROPIC HYPOGONADISM 2 WITH OR WITHOUT ANOSMIA, SUSCEPTIBILITY TO; FGFR1-Related GnRH Deficiency (Kallmann Syndrome 2). Identifiers: Orphanet 478, MedGen C1563720, MONDO:0007844, OMIM 147950. Disease mechanism: loss of function.

Allele frequency attached by ClinVar (database versions not stated): gnomAD 0.00003; ExAC 0.00006; TOPMed 0.00006; 1000 Genomes Project 30x 0.00031; 1000 Genomes Project 0.00040.
gnomAD v4.1: 31 of 1,614,056 alleles (0.0019%); highest among the groups gnomAD compares: East Asian, 0.016%; no homozygotes.

Submission:

Labcorp Genetics (formerly Invitae), Labcorp
Classification: Uncertain significance for Pfeiffer syndrome; Hypogonadotropic hypogonadism 2 with or without anosmia. Last evaluated: 2025-06-12. Review status: criteria provided, single submitter. Criteria: Invitae Variant Classification Sherloc (09022015). Collection method: clinical testing. Allele origin: germline.
Comment: This sequence change replaces arginine, which is basic and polar, with histidine, which is basic and polar, at codon 424 of the FGFR1 protein (p.Arg424His). This variant is present in population databases (rs183376882, gnomAD 0.02%). This missense change has been observed in individuals with Kallmann syndrome (PMID: 33548149). ClinVar contains an entry for this variant (Variation ID: 2927948). Invitae Evidence Modeling of protein sequence and biophysical properties (such as structural, functional, and spatial information, amino acid conservation, physicochemical variation, residue mobility, and thermodynamic stability) indicates that this missense variant is not expected to disrupt FGFR1 protein function with a negative predictive value of 80%. This variant disrupts the p.Arg424 amino acid residue in FGFR1. Other variant(s) that disrupt this residue have been observed in individuals with FGFR1-related conditions (PMID: 33548149, 37805574), which suggests that this may be a clinically significant amino acid residue. In summary, the available evidence is currently insufficient to determine the role of this variant in disease. Therefore, it has been classified as a Variant of Uncertain Significance.

Literature cited by the submitters: PubMed 33548149; PubMed 37805574.

NM_023110.3(FGFR1):c.1271G>A (p.Arg424His)

Gene: FGFR1 (fibroblast growth factor receptor 1; minus strand). Cytogenetic location: 8p11.23.
Variant type: single nucleotide variant.
Coding change: c.1271G>A on transcript NM_023110.3 (MANE Select); coding-DNA position 1271, G replaced by A.
Protein change: p.Arg424His; replaces arginine 424 with histidine.
Molecular consequence: missense variant.
Genome position (GRCh38, 1-based): chr8:38,419,546, C>T on the plus strand (G>A on the coding strand, the complement: FGFR1 is on the minus strand). VCF-style: chr8-38419546-C-T. GRCh37 (hg19) VCF-style: chr8-38277064-C-T.
Other names: c.1271G>A, p.Arg424His (NM_000604.2, NM_001174063.2); c.1247G>A, p.Arg416His (NM_001174064.2); c.1265G>A, p.Arg422His (NM_001174065.2, NM_001354367.2, NM_001354369.2 and 2 more transcripts); c.1004G>A, p.Arg335His (NM_001174066.2, NM_023105.3); c.1364G>A, p.Arg455His (NM_001174067.2); c.998G>A, p.Arg333His (NM_001354368.2, NM_001354370.2, NM_023106.3); short protein forms R416H, R335H, R455H, R422H, R333H, R424H.
Identifiers: ClinVar variation 2927948 (VCV002927948.3), dbSNP rs183376882, ClinGen allele CA4718448.